The following is an entry in ClinVar:

NM_004415.4(DSP):c.2639A>G (p.Asp880Gly)

Gene: DSP (desmoplakin; plus strand). Cytogenetic location: 6p24.3.
Variant type: single nucleotide variant.
Coding change: c.2639A>G on transcript NM_004415.4 (MANE Select); coding-DNA position 2639, A replaced by G.
Protein change: p.Asp880Gly; replaces aspartic acid 880 with glycine.
Molecular consequence: missense variant.
Genome position (GRCh38, 1-based): chr6:7,576,302, A>G. VCF-style: chr6-7576302-A-G. GRCh37 (hg19) VCF-style: chr6-7576535-A-G.
Other names: c.2639A>G, p.Asp880Gly (NM_001008844.3, NM_001319034.2); short protein forms D880G.
Identifiers: ClinVar variation 3842688 (VCV003842688.3).

ClinVar aggregate classification (germline): Uncertain significance. Review status: criteria provided, multiple submitters, no conflicts (2 of 4 stars). 3 submissions from 3 submitters: Uncertain significance (3). Last evaluated 2026-06-29.

Conditions:
Cardiovascular phenotype. Identifiers: MedGen CN230736.

gnomAD v4.1: 1 of 1,614,020 alleles (0.000062%); highest among the groups gnomAD compares: Admixed American, 0.0017%; no homozygotes.

Submissions (3):

Women's Health and Genetics/Laboratory Corporation of America, LabCorp
Classification: Uncertain significance. Last evaluated: 2026-06-29. Review status: criteria provided, single submitter. Criteria: LabCorp Variant Classification Summary - May 2015. Collection method: clinical testing. Allele origin: germline.
Comment: Variant summary: DSP c.2639A>G (p.Asp880Gly) results in a non-conservative amino acid change in the encoded protein sequence. Algorithms developed to predict the effect of missense changes on protein structure and function are either unavailable or do not agree on the potential impact of this missense change. The variant allele was found at a frequency of 4e-06 in 251228 control chromosomes. The available data on variant occurrences in the general population are insufficient to allow any conclusion about variant significance. To our knowledge, no occurrence of c.2639A>G in individuals affected with DSP-related conditions and no experimental evidence demonstrating its impact on protein function have been reported. ClinVar contains an entry for this variant (Variation ID: 3842688). Based on the evidence outlined above, the variant was classified as uncertain significance.

GeneDx
Classification: Uncertain significance. Last evaluated: 2025-03-05. Review status: criteria provided, single submitter. Criteria: GeneDx Variant Classification Process June 2021. Collection method: clinical testing. Allele origin: germline. Affected: yes.
Comment: Not observed at significant frequency in large population cohorts (gnomAD); In silico analysis supports that this missense variant has a deleterious effect on protein structure/function; Has not been previously published as pathogenic or benign to our knowledge

Ambry Genetics
Classification: Uncertain significance for Cardiovascular phenotype. Last evaluated: 2024-12-21. Review status: criteria provided, single submitter. Criteria: Ambry Variant Classification Scheme 2023. Collection method: clinical testing. Allele origin: germline.
Comment: The p.D880G variant (also known as c.2639A>G), located in coding exon 19 of the DSP gene, results from an A to G substitution at nucleotide position 2639. The aspartic acid at codon 880 is replaced by glycine, an amino acid with similar properties. This amino acid position is conserved. In addition, the in silico prediction for this alteration is inconclusive. Based on the available evidence, the clinical significance of this variant remains unclear.